The following is an entry in ClinVar:

ClinVar aggregate classification (germline): Uncertain significance. Review status: criteria provided, multiple submitters, no conflicts (2 of 4 stars). 2 submissions from 2 submitters: Uncertain significance (2). Last evaluated 2023-11-27.

Allele frequency attached by ClinVar (database versions not stated): ExAC 0.00002; TOPMed 0.00002; gnomAD 0.00003; gnomAD exomes 0.00003 and 0.00005.
gnomAD v4.1: 41 of 1,613,936 alleles (0.0025%); highest among the groups gnomAD compares: Admixed American, 0.028%; no homozygotes.

Submissions (2):

Labcorp Genetics (formerly Invitae), Labcorp
Classification: Uncertain significance. Last evaluated: 2023-11-27. Review status: criteria provided, single submitter. Criteria: Invitae Variant Classification Sherloc (09022015). Collection method: clinical testing. Allele origin: germline.
Comment: This sequence change replaces aspartic acid, which is acidic and polar, with asparagine, which is neutral and polar, at codon 187 of the DISP1 protein (p.Asp187Asn). This variant is present in population databases (rs758163679, gnomAD 0.02%). This variant has not been reported in the literature in individuals affected with DISP1-related conditions. ClinVar contains an entry for this variant (Variation ID: 439600). An algorithm developed to predict the effect of missense changes on protein structure and function (PolyPhen-2) suggests that this variant is likely to be tolerated. In summary, the available evidence is currently insufficient to determine the role of this variant in disease. Therefore, it has been classified as a Variant of Uncertain Significance.

ARUP Laboratories, Molecular Genetics and Genomics, ARUP Laboratories
Classification: Uncertain significance. Last evaluated: 2016-09-12. Review status: criteria provided, single submitter. Criteria: ARUP Molecular Germline Variant Investigation Process. Collection method: clinical testing. Allele origin: germline.

NM_001377229.1(DISP1):c.559G>A (p.Asp187Asn)

Gene: DISP1 (dispatched RND transporter family member 1; plus strand). Cytogenetic location: 1q41.
Variant type: single nucleotide variant.
Coding change: c.559G>A on transcript NM_001377229.1 (MANE Select); coding-DNA position 559, G replaced by A.
Protein change: p.Asp187Asn; replaces aspartic acid 187 with asparagine.
Molecular consequence: missense variant. On other transcripts: 5 prime UTR variant (1).
Genome position (GRCh38, 1-based): chr1:222,990,644, G>A. VCF-style: chr1-222990644-G-A. GRCh37 (hg19) VCF-style: chr1-223163986-G-A.
Other names: c.-329G>A (NM_001350630.2); c.559G>A, p.Asp187Asn (NM_001369594.1, NM_001377228.1, NM_032890.5); short protein forms D187N.
Identifiers: ClinVar variation 439600 (VCV000439600.13), dbSNP rs758163679, ClinGen allele CA1408851.
Genomic context (GRCh38, chr1:222,990,644, plus strand): 5'-TTATGCAGCTCTGATAGCCGACACTTCTTTGTGTTTTGTAGTTATGCAGCCCTGATAGCC[G>A]ACTGGCCGGTGGTGGTCTTGGGCATGTGCACCATGTTCATCGTAGTCTGTGCCTTGGTTG-3'
Protein context (NP_001364158.1, residues 177-197): LPKSYAALIA[Asp187Asn]WPVVVLGMCT